The following is an entry in ClinVar:

ClinVar aggregate classification (germline): Uncertain significance (1 of 4 stars; one submission).

Conditions:
Lissencephaly type 1 due to doublecortin gene mutation. Also called: LISSENCEPHALY, X-LINKED, 1; LISSENCEPHALY AND AGENESIS OF CORPUS CALLOSUM. Identifiers: Orphanet 2148, MedGen C4551968, MONDO:0010239, OMIM 300067.

Allele frequency attached by ClinVar (database versions not stated): gnomAD exomes below 0.00001; ExAC 0.00001; gnomAD 0.00001.
gnomAD v4.1: 3 of 1,209,950 alleles (0.00025%); highest among the groups gnomAD compares: Admixed American, 0.0066%; no homozygotes.

Submission:

3billion
Classification: Uncertain significance for Lissencephaly type 1 due to doublecortin gene mutation. Last evaluated: 2022-09-01. Review status: criteria provided, single submitter. Criteria: ACMG Guidelines, 2015. Collection method: clinical testing. Allele origin: germline. Affected: yes. Observed: 1 hemizygote.
Comment: The variant is observed at an extremely low frequency in the gnomAD v2.1.1 dataset (total allele frequency: <0.001%). Missense changes are a common disease-causing mechanism. Therefore, this variant is classified as uncertain significance according to the recommendation of ACMG/AMP guideline.

NM_001195553.2(DCX):c.832C>G (p.Pro278Ala)

Gene: DCX (doublecortin; minus strand). Cytogenetic location: Xq23.
Variant type: single nucleotide variant.
Coding change: c.832C>G on transcript NM_001195553.2 (MANE Select); coding-DNA position 832, C replaced by G.
Protein change: p.Pro278Ala; replaces proline 278 with alanine.
Molecular consequence: missense variant.
Genome position (GRCh38, 1-based): chrX:111,331,018, G>C on the plus strand (C>G on the coding strand, the complement: DCX is on the minus strand). VCF-style: chrX-111331018-G-C. GRCh37 (hg19) VCF-style: chrX-110574246-G-C.
Other names: c.1075C>G, p.Pro359Ala (NM_000555.3); c.832C>G, p.Pro278Ala (NM_001369370.1, NM_001369371.1, NM_001369372.1 and 6 more transcripts); short protein forms P278A, P359A.
Identifiers: ClinVar variation 1705541 (VCV001705541.1), dbSNP rs761180789, ClinGen allele CA10493280.